The following is an entry in ClinVar:

NM_006231.4(POLE):c.6824_6839dup (p.Asn2281fs)

Gene: POLE (DNA polymerase epsilon, catalytic subunit; minus strand). Cytogenetic location: 12q24.33.
Variant type: Duplication.
Coding change: c.6824_6839dup on transcript NM_006231.4 (MANE Select); coding-DNA positions 6824 to 6839, 16 bases duplicated (AGTGGCTGCTGCAGAA).
Protein change: p.Asn2281fs; shifts the reading frame from asparagine 2281.
Molecular consequence: frameshift variant.
Genome position (GRCh38, 1-based): chr12:132,624,719-132,624,734, TTCTGCAGCAGCCACT duplicated on the plus strand (AGTGGCTGCTGCAGAA on the coding strand, the reverse complement: POLE is on the minus strand). VCF-style (leftmost placement, unchanged base first): chr12-132624718-C-CTTCTGCAGCAGCCACT. GRCh37 (hg19) VCF-style: chr12-133201304-C-CTTCTGCAGCAGCCACT.
Other names: short protein forms N2281fs.
Identifiers: ClinVar variation 3774101 (VCV003774101.1).

ClinVar aggregate classification (germline): Uncertain significance (1 of 4 stars; one submission).

Submission:

GeneDx
Classification: Uncertain significance. Last evaluated: 2024-09-18. Review status: criteria provided, single submitter. Criteria: GeneDx Variant Classification Process June 2021. Collection method: clinical testing. Allele origin: germline. Affected: yes.
Comment: Frameshift variant predicted to result in abnormal protein length as the last 6 amino acid(s) are replaced with 27 different amino acid(s) with an unclear effect on protein function; Not observed at significant frequency in large population cohorts (gnomAD); Has not been previously published as pathogenic or benign to our knowledge